The following is an entry in ClinVar:

NM_014927.5(CNKSR2):c.1609-3C>G

Gene: CNKSR2 (connector enhancer of kinase suppressor of Ras 2; plus strand). Cytogenetic location: Xp22.12.
Variant type: single nucleotide variant.
Coding change: c.1609-3C>G on transcript NM_014927.5 (MANE Select); 3 bases into the intron before coding-DNA position 1609, C replaced by G.
Molecular consequence: intron variant.
Genome position (GRCh38, 1-based): chrX:21,590,569, C>G. VCF-style: chrX-21590569-C-G. GRCh37 (hg19) VCF-style: chrX-21608687-C-G.
Other names: c.1519-3C>G (NM_001168647.3, NM_001330773.2); c.1462-3C>G (NM_001330770.2, NM_001168649.3); c.1372-3C>G (NM_001330772.2, NM_001330771.2); c.1609-3C>G (NM_001168648.3).
Identifiers: ClinVar variation 4527260 (VCV004527260.1).

ClinVar aggregate classification (germline): Uncertain significance (1 of 4 stars; one submission).

Submission:

GeneDx
Classification: Uncertain significance. Last evaluated: 2025-04-23. Review status: criteria provided, single submitter. Criteria: GeneDx Variant Classification Process June 2021. Collection method: clinical testing. Allele origin: germline. Affected: yes.
Comment: Not observed at significant frequency in large population cohorts (gnomAD); In silico analysis supports a deleterious effect on splicing; Has not been previously published as pathogenic or benign to our knowledge